The following is an entry in ClinVar:

ClinVar aggregate classification (germline): Uncertain significance (1 of 4 stars; one submission).

Conditions:
Charcot-Marie-Tooth disease type 2. Also called: Charcot-Marie-Tooth type 2. Identifiers: Orphanet 64746, MedGen C0270914, MONDO:0018993.

Submission:

Labcorp Genetics (formerly Invitae), Labcorp
Classification: Uncertain significance for Charcot-Marie-Tooth disease type 2. Last evaluated: 2018-08-09. Review status: criteria provided, single submitter. Criteria: Invitae Variant Classification Sherloc (09022015). Collection method: clinical testing. Allele origin: germline.
Comment: This sequence change replaces arginine with leucine at codon 281 of the BSCL2 protein (p.Arg281Leu). The arginine residue is weakly conserved and there is a moderate physicochemical difference between arginine and leucine. This variant is not present in population databases (ExAC no frequency). This variant has not been reported in the literature in individuals with BSCL2-related disease. Algorithms developed to predict the effect of missense changes on protein structure and function (SIFT, PolyPhen-2, Align-GVGD) all suggest that this variant is likely to be tolerated, but these predictions have not been confirmed by published functional studies and their clinical significance is uncertain. In summary, the available evidence is currently insufficient to determine the role of this variant in disease. Therefore, it has been classified as a Variant of Uncertain Significance.

NM_001122955.4(BSCL2):c.1034G>T (p.Arg345Leu)

Genes: BSCL2 (BSCL2 lipid droplet biogenesis associated, seipin; minus strand), HNRNPUL2-BSCL2 (HNRNPUL2-BSCL2 readthrough (NMD candidate); minus strand). Cytogenetic location: 11q12.3.
Variant type: single nucleotide variant.
Coding change: c.1034G>T on transcript NM_001122955.4 (MANE Select); coding-DNA position 1034, G replaced by T.
Protein change: p.Arg345Leu; replaces arginine 345 with leucine.
Molecular consequence: missense variant. On other transcripts: non-coding transcript variant (1), nonsense (1).
Genome position (GRCh38, 1-based): chr11:62,691,113, C>A on the plus strand (G>T on the coding strand, the complement: BSCL2 is on the minus strand). VCF-style: chr11-62691113-C-A. GRCh37 (hg19) VCF-style: chr11-62458585-C-A.
Other names: c.1034G>T, p.Arg345Leu (NM_001386028.1, NM_001386027.1); c.842G>T, p.Arg281Leu (NM_032667.6); c.700G>T, p.Gly234Ter (NM_001130702.2); short protein forms R281L, G234*, R345L.
Identifiers: ClinVar variation 639934 (VCV000639934.8), dbSNP rs202072835, ClinGen allele CA380958197.
Genomic context (GRCh38, chr11:62,691,113, plus strand): 5'-GCTCCCCAGCCAACACCTTTACCTGGCTGATGAGCAGAGATCCTTCGTTGGACTTCCTTC[C>A]GGGAATTGTCTCTTTTTCGGATGTTAACCTGTGGAGGAAAAACTACTGAGCAGCCAGGAC-3'
Protein context (NP_001116427.1, residues 335-355): QVNIRKRDNS[Arg345Leu]KEVQRRISAH